The following is an entry in ClinVar:

ClinVar aggregate classification (germline): Uncertain significance (1 of 4 stars; one submission).

gnomAD v4.1: 37 of 1,529,452 alleles (0.0024%); highest among the groups gnomAD compares: African/African-American, 0.037%; no homozygotes.

Submission:

Labcorp Genetics (formerly Invitae), Labcorp
Classification: Uncertain significance. Last evaluated: 2025-07-28. Review status: criteria provided, single submitter. Criteria: Invitae Variant Classification Sherloc (09022015). Collection method: clinical testing. Allele origin: germline.
Comment: This sequence change replaces glycine, which is neutral and non-polar, with serine, which is neutral and polar, at codon 57 of the RBFOX2 protein (p.Gly57Ser). The frequency data for this variant in the population databases is considered unreliable, as metrics indicate poor data quality at this position in the gnomAD database. This variant has not been reported in the literature in individuals affected with RBFOX2-related conditions. An algorithm developed to predict the effect of missense changes on protein structure and function (PolyPhen-2) suggests that this variant is likely to be tolerated. In summary, the available evidence is currently insufficient to determine the role of this variant in disease. Therefore, it has been classified as a Variant of Uncertain Significance.

NM_001349999.2(RBFOX2):c.169G>A (p.Gly57Ser)

Gene: RBFOX2 (RNA binding fox-1 homolog 2; minus strand). Cytogenetic location: 22q12.3.
Variant type: single nucleotide variant.
Coding change: c.169G>A on transcript NM_001349999.2 (MANE Select); coding-DNA position 169, G replaced by A.
Protein change: p.Gly57Ser; replaces glycine 57 with serine.
Molecular consequence: missense variant.
Genome position (GRCh38, 1-based): chr22:36,028,257, C>T on the plus strand (G>A on the coding strand, the complement: RBFOX2 is on the minus strand). VCF-style: chr22-36028257-C-T. GRCh37 (hg19) VCF-style: chr22-36424305-C-T.
Other names: c.169G>A, p.Gly57Ser (NM_001082578.4, NM_001082579.3, NM_001394108.1 and 7 more transcripts); short protein forms G57S.
Identifiers: ClinVar variation 4738034 (VCV004738034.1).